The following is an entry in ClinVar:

ClinVar aggregate classification (germline): Uncertain significance (1 of 4 stars; one submission).

Submission:

Labcorp Genetics (formerly Invitae), Labcorp
Classification: Uncertain significance. Last evaluated: 2025-03-31. Review status: criteria provided, single submitter. Criteria: Invitae Variant Classification Sherloc (09022015). Collection method: clinical testing. Allele origin: germline.
Comment: This sequence change replaces glutamic acid, which is acidic and polar, with lysine, which is basic and polar, at codon 310 of the CYP4V2 protein (p.Glu310Lys). This variant is present in population databases (no rsID available, gnomAD 0.02%). This variant has not been reported in the literature in individuals affected with CYP4V2-related conditions. ClinVar contains an entry for this variant (Variation ID: 1511994). Invitae Evidence Modeling of protein sequence and biophysical properties (such as structural, functional, and spatial information, amino acid conservation, physicochemical variation, residue mobility, and thermodynamic stability) has been performed for this missense variant. However, the output from this modeling did not meet the statistical confidence thresholds required to predict the impact of this variant on CYP4V2 protein function. In summary, the available evidence is currently insufficient to determine the role of this variant in disease. Therefore, it has been classified as a Variant of Uncertain Significance.

NM_207352.4(CYP4V2):c.928G>A (p.Glu310Lys)

Gene: CYP4V2 (cytochrome P450 family 4 subfamily V member 2; plus strand). Cytogenetic location: 4q35.2.
Variant type: single nucleotide variant.
Coding change: c.928G>A on transcript NM_207352.4 (MANE Select); coding-DNA position 928, G replaced by A.
Protein change: p.Glu310Lys; replaces glutamic acid 310 with lysine.
Molecular consequence: missense variant.
Genome position (GRCh38, 1-based): chr4:186,201,283, G>A. VCF-style: chr4-186201283-G-A. GRCh37 (hg19) VCF-style: chr4-187122437-G-A.
Other names: short protein forms E310K.
Identifiers: ClinVar variation 1511994 (VCV001511994.6), dbSNP rs894863416, ClinGen allele CA358948475.